The following is an entry in ClinVar:

NM_017780.4(CHD7):c.8131G>C (p.Gly2711Arg)

Gene: CHD7 (chromodomain helicase DNA binding protein 7; plus strand). Cytogenetic location: 8q12.2.
Variant type: single nucleotide variant.
Coding change: c.8131G>C on transcript NM_017780.4 (MANE Select); coding-DNA position 8131, G replaced by C.
Protein change: p.Gly2711Arg; replaces glycine 2711 with arginine.
Molecular consequence: missense variant.
Genome position (GRCh38, 1-based): chr8:60,865,070, G>C. VCF-style: chr8-60865070-G-C. GRCh37 (hg19) VCF-style: chr8-61777629-G-C.
Other names: c.1984G>C, p.Gly662Arg (NM_001316690.1); short protein forms G2711R, G662R.
Identifiers: ClinVar variation 1034731 (VCV001034731.8), dbSNP rs1418830724, ClinGen allele CA371307318.

ClinVar aggregate classification (germline): Uncertain significance (1 of 4 stars; one submission).

Conditions:
CHARGE syndrome (CHARGE). Also called: Hittner Hirsch Kreh syndrome; Coloboma, heart anomaly, choanal atresia, retardation, genital and ear anomalies; CHARGE association; Hall-Hittner syndrome; CHARGE ASSOCIATION--COLOBOMA, HEART ANOMALY, CHOANAL ATRESIA, RETARDATION, GENITAL AND EAR ANOMALIES. Identifiers: Orphanet 138, MedGen C0265354, MONDO:0008965.

gnomAD v4.1: 2 of 1,609,954 alleles (0.00012%); highest among the groups gnomAD compares: East Asian, 0.0022%; no homozygotes.

Submission:

Labcorp Genetics (formerly Invitae), Labcorp
Classification: Uncertain significance for CHARGE syndrome. Last evaluated: 2020-08-10. Review status: criteria provided, single submitter. Criteria: Invitae Variant Classification Sherloc (09022015). Collection method: clinical testing. Allele origin: germline.
Comment: In summary, the available evidence is currently insufficient to determine the role of this variant in disease. Therefore, it has been classified as a Variant of Uncertain Significance. Advanced modeling of protein sequence and biophysical properties (such as structural, functional, and spatial information, amino acid conservation, physicochemical variation, residue mobility, and thermodynamic stability) performed at Invitae indicates that this missense variant is not expected to disrupt CHD7 protein function. This variant has not been reported in the literature in individuals with CHD7-related conditions. This variant is not present in population databases (ExAC no frequency). This sequence change replaces glycine with arginine at codon 2711 of the CHD7 protein (p.Gly2711Arg). The glycine residue is highly conserved and there is a moderate physicochemical difference between glycine and arginine.